The following is an entry in ClinVar:

NM_025114.4(CEP290):c.2296C>A (p.Pro766Thr)

Gene: CEP290 (centrosomal protein 290; minus strand). Cytogenetic location: 12q21.32.
Variant type: single nucleotide variant.
Coding change: c.2296C>A on transcript NM_025114.4 (MANE Select); coding-DNA position 2296, C replaced by A.
Protein change: p.Pro766Thr; replaces proline 766 with threonine.
Molecular consequence: missense variant.
Genome position (GRCh38, 1-based): chr12:88,111,273, G>T on the plus strand (C>A on the coding strand, the complement: CEP290 is on the minus strand). VCF-style: chr12-88111273-G-T. GRCh37 (hg19) VCF-style: chr12-88505050-G-T.
Other names: short protein forms P766T.
Identifiers: ClinVar variation 2096293 (VCV002096293.4), dbSNP rs2500741529, ClinGen allele CA385974583.

ClinVar aggregate classification (germline): Uncertain significance (1 of 4 stars; one submission).

Conditions:
Joubert syndrome. Also called: CEREBELLOPARENCHYMAL DISORDER IV; JOUBERT-BOLTSHAUSER SYNDROME; Familial aplasia of the vermis. Identifiers: Orphanet 475, MedGen C5979921, MONDO:0018772.
Nephronophthisis. Also called: Juvenile Nephronophthisis. Identifiers: Orphanet 655, MedGen C0687120, MONDO:0019005, HP:0000090.
Meckel-Gruber syndrome. Also called: DYSENCEPHALIA SPLANCHNOCYSTICA; GRUBER SYNDROME; Dysencephalia splachnocystica. Identifiers: Orphanet 564, MedGen C0265215, MONDO:0018921.

Submission:

Labcorp Genetics (formerly Invitae), Labcorp
Classification: Uncertain significance for Joubert syndrome; Meckel-Gruber syndrome; Nephronophthisis. Last evaluated: 2022-02-10. Review status: criteria provided, single submitter. Criteria: Invitae Variant Classification Sherloc (09022015). Collection method: clinical testing. Allele origin: germline.
Comment: This sequence change replaces proline, which is neutral and non-polar, with threonine, which is neutral and polar, at codon 766 of the CEP290 protein (p.Pro766Thr). This variant is not present in population databases (gnomAD no frequency). This variant has not been reported in the literature in individuals affected with CEP290-related conditions. Algorithms developed to predict the effect of missense changes on protein structure and function are either unavailable or do not agree on the potential impact of this missense change (SIFT: "Deleterious"; PolyPhen-2: "Probably Damaging"; Align-GVGD: "Class C0"). In summary, the available evidence is currently insufficient to determine the role of this variant in disease. Therefore, it has been classified as a Variant of Uncertain Significance.